The following is an entry in ClinVar:

NM_013291.3(CPSF1):c.539+6T>A

Gene: CPSF1 (cleavage and polyadenylation specific factor 1; minus strand). Cytogenetic location: 8q24.3.
Variant type: single nucleotide variant.
Coding change: c.539+6T>A on transcript NM_013291.3 (MANE Select); 6 bases into the intron after coding-DNA position 539, T replaced by A.
Molecular consequence: intron variant.
Genome position (GRCh38, 1-based): chr8:144,400,918, A>T on the plus strand (T>A on the coding strand, the complement: CPSF1 is on the minus strand). VCF-style: chr8-144400918-A-T. GRCh37 (hg19) VCF-style: chr8-145626312-A-T.
Identifiers: ClinVar variation 5007283 (VCV005007283.2).
Genomic context (GRCh38, chr8:144,400,918, plus strand): 5'-GGGAGGGGAGCTCGGGCTCTGGCGCCTCCCACCCCAGCACCACAGCCTGCCTCAGCTGGC[A>T]CTCACCCCTCACCCACGAGCCCCTCGTGCTCCTCAGCCAGGCTCTCCCTGCGGAAGGGCA-3'

ClinVar aggregate classification (germline): Uncertain significance (1 of 4 stars; one submission).

Conditions:
Myopia 27. Also called: MYOPIA 27, AUTOSOMAL DOMINANT. Identifiers: MedGen C5394215, MONDO:0032941, OMIM 618827.

Submission:

Juno Genomics, Hangzhou Juno Genomics, Inc
Classification: Uncertain significance for Myopia 27. Review status: criteria provided, single submitter. Criteria: ACMG Guidelines, 2015. Collection method: clinical testing. Allele origin: germline.
Comment: Absent from controls (or at extremely low frequency if recessive) in Genome Aggregation Database.;Multiple lines of computational evidence support a deleterious effect on the gene or gene product.